The following is an entry in ClinVar:

NM_001161352.2(KCNMA1):c.352T>G (p.Cys118Gly)

Gene: KCNMA1 (potassium calcium-activated channel subfamily M alpha 1; minus strand). Cytogenetic location: 10q22.3.
Variant type: single nucleotide variant.
Coding change: c.352T>G on transcript NM_001161352.2 (MANE Select); coding-DNA position 352, T replaced by G.
Protein change: p.Cys118Gly; replaces cysteine 118 with glycine.
Molecular consequence: missense variant.
Genome position (GRCh38, 1-based): chr10:77,637,291, A>C on the plus strand (T>G on the coding strand, the complement: KCNMA1 is on the minus strand). VCF-style: chr10-77637291-A-C. GRCh37 (hg19) VCF-style: chr10-79397049-A-C.
Other names: c.352T>G, p.Cys118Gly (NM_001014797.3, NM_001161353.2, NM_001271518.2 and 12 more transcripts); short protein forms C118G.
Identifiers: ClinVar variation 1524675 (VCV001524675.8), dbSNP rs2154572103, ClinGen allele CA377412225.

ClinVar aggregate classification (germline): Uncertain significance (1 of 4 stars; one submission).

Conditions:
Generalized epilepsy-paroxysmal dyskinesia syndrome (PNKD3). Also called: Generalized epilepsy and paroxysmal dyskinesia; Paroxysmal nonkinesigenic dyskinesia, 3, with or without generalized epilepsy. Identifiers: Orphanet 79137, MedGen C5574945, MONDO:0012276, OMIM 609446.

Submission:

Labcorp Genetics (formerly Invitae), Labcorp
Classification: Uncertain significance for Generalized epilepsy-paroxysmal dyskinesia syndrome. Last evaluated: 2021-06-05. Review status: criteria provided, single submitter. Criteria: Invitae Variant Classification Sherloc (09022015). Collection method: clinical testing. Allele origin: germline.
Comment: In summary, the available evidence is currently insufficient to determine the role of this variant in disease. Therefore, it has been classified as a Variant of Uncertain Significance. Algorithms developed to predict the effect of missense changes on protein structure and function are either unavailable or do not agree on the potential impact of this missense change (SIFT: "Deleterious"; PolyPhen-2: "Probably Damaging"; Align-GVGD: "Class C0"). This variant has not been reported in the literature in individuals with KCNMA1-related conditions. This variant is not present in population databases (ExAC no frequency). This sequence change replaces cysteine with glycine at codon 118 of the KCNMA1 protein (p.Cys118Gly). The cysteine residue is moderately conserved and there is a large physicochemical difference between cysteine and glycine.